The following is an entry in ClinVar:

ClinVar aggregate classification (germline): Uncertain significance (1 of 4 stars; one submission).

Submission:

GeneDx
Classification: Uncertain significance. Last evaluated: 2024-03-08. Review status: criteria provided, single submitter. Criteria: GeneDx Variant Classification Process June 2021. Collection method: clinical testing. Allele origin: germline. Affected: yes.
Comment: Not observed at significant frequency in large population cohorts (gnomAD); In silico analysis supports that this missense variant has a deleterious effect on protein structure/function; Has not been previously published as pathogenic or benign to our knowledge

NM_014254.3(RXYLT1):c.1253A>G (p.Tyr418Cys)

Genes: RXYLT1 (ribitol xylosyltransferase 1; plus strand), RXYLT1-AS1 (RXYLT1 antisense RNA 1; minus strand). Cytogenetic location: 12q14.2.
Variant type: single nucleotide variant.
Coding change: c.1253A>G on transcript NM_014254.3 (MANE Select); coding-DNA position 1253, A replaced by G.
Protein change: p.Tyr418Cys; replaces tyrosine 418 with cysteine.
Molecular consequence: missense variant.
Genome position (GRCh38, 1-based): chr12:63,809,013, A>G. VCF-style: chr12-63809013-A-G. GRCh37 (hg19) VCF-style: chr12-64202793-A-G.
Other names: c.473A>G, p.Tyr158Cys (NM_001278237.2); short protein forms Y158C, Y418C.
Identifiers: ClinVar variation 3370599 (VCV003370599.1).